The following is an entry in ClinVar:

NM_005585.5(SMAD6):c.1178T>C (p.Leu393Pro)

Gene: SMAD6 (SMAD family member 6; plus strand). Cytogenetic location: 15q22.31.
Variant type: single nucleotide variant.
Coding change: c.1178T>C on transcript NM_005585.5 (MANE Select); coding-DNA position 1178, T replaced by C.
Protein change: p.Leu393Pro; replaces leucine 393 with proline.
Molecular consequence: missense variant. On other transcripts: non-coding transcript variant (1).
Genome position (GRCh38, 1-based): chr15:66,781,222, T>C. VCF-style: chr15-66781222-T-C. GRCh37 (hg19) VCF-style: chr15-67073560-T-C.
Other names: c.1178T>C (NM_005585.4); short protein forms L393P.
Identifiers: ClinVar variation 1991408 (VCV001991408.5), dbSNP rs774010060, ClinGen allele CA7626743.

ClinVar aggregate classification (germline): Uncertain significance. Review status: criteria provided, multiple submitters, no conflicts (2 of 4 stars). 2 submissions from 2 submitters: Uncertain significance (2). Last evaluated 2025-02-27.

Conditions:
Aortic valve disease 2 (AOVD2). Identifiers: MedGen C3542024, MONDO:0013902, OMIM 614823.

Allele frequency attached by ClinVar (database versions not stated): gnomAD exomes below 0.00001; ExAC 0.00001.
gnomAD v4.1: 1 of 1,608,750 alleles (0.000062%); highest among the groups gnomAD compares: Non-Finnish European, 0.000085%; no homozygotes.

Submissions (2):

GeneDx
Classification: Uncertain significance. Last evaluated: 2025-02-27. Review status: criteria provided, single submitter. Criteria: GeneDx Variant Classification Process June 2021. Collection method: clinical testing. Allele origin: germline. Affected: yes.
Comment: Not observed at significant frequency in large population cohorts (gnomAD); In silico analysis supports that this missense variant has a deleterious effect on protein structure/function; Has not been previously published as pathogenic or benign to our knowledge

Labcorp Genetics (formerly Invitae), Labcorp
Classification: Uncertain significance for Aortic valve disease 2. Last evaluated: 2024-05-07. Review status: criteria provided, single submitter. Criteria: Invitae Variant Classification Sherloc (09022015). Collection method: clinical testing. Allele origin: germline.
Comment: This sequence change replaces leucine, which is neutral and non-polar, with proline, which is neutral and non-polar, at codon 393 of the SMAD6 protein (p.Leu393Pro). The frequency data for this variant in the population databases is considered unreliable, as metrics indicate poor data quality at this position in the gnomAD database. This variant has not been reported in the literature in individuals affected with SMAD6-related conditions. ClinVar contains an entry for this variant (Variation ID: 1991408). Advanced modeling of protein sequence and biophysical properties (such as structural, functional, and spatial information, amino acid conservation, physicochemical variation, residue mobility, and thermodynamic stability) has been performed at Invitae for this missense variant, however the output from this modeling did not meet the statistical confidence thresholds required to predict the impact of this variant on SMAD6 protein function. In summary, the available evidence is currently insufficient to determine the role of this variant in disease. Therefore, it has been classified as a Variant of Uncertain Significance.